The following is an entry in ClinVar:

NM_020964.3(EPG5):c.2459G>C (p.Gly820Ala)

Gene: EPG5 (ectopic P-granules 5 autophagy tethering factor; minus strand). Cytogenetic location: 18q21.1.
Variant type: single nucleotide variant.
Coding change: c.2459G>C on transcript NM_020964.3 (MANE Select); coding-DNA position 2459, G replaced by C.
Protein change: p.Gly820Ala; replaces glycine 820 with alanine.
Molecular consequence: missense variant.
Genome position (GRCh38, 1-based): chr18:45,928,963, C>G on the plus strand (G>C on the coding strand, the complement: EPG5 is on the minus strand). VCF-style: chr18-45928963-C-G. GRCh37 (hg19) VCF-style: chr18-43508929-C-G.
Other names: c.2459G>C, p.Gly820Ala (NM_001410858.1, NM_001410859.1); short protein forms G820A.
Identifiers: ClinVar variation 3344368 (VCV003344368.1).

ClinVar aggregate classification (germline): Uncertain significance (0 of 4 stars; one submission).

Conditions:
EPG5-related disorder. Also called: EPG5-related condition. Identifiers: MedGen CN381528.

gnomAD v4.1: 7 of 1,613,850 alleles (0.00043%); highest among the groups gnomAD compares: Admixed American, 0.0033%; no homozygotes.

Submission:

PreventionGenetics, part of Exact Sciences
Classification: Uncertain significance for EPG5-related condition. Last evaluated: 2024-07-28. Review status: no assertion criteria provided. Collection method: clinical testing. Allele origin: germline.
Comment: The EPG5 c.2459G>C variant is predicted to result in the amino acid substitution p.Gly820Ala. To our knowledge, this variant has not been reported in the literature. This variant is reported in 0.0028% of alleles in individuals of Latino descent in gnomAD. At this time, the clinical significance of this variant is uncertain due to the absence of conclusive functional and genetic evidence.